The following is an entry in ClinVar:

ClinVar aggregate classification (germline): Uncertain significance (1 of 4 stars; one submission).

gnomAD v4.1: 1 of 1,515,536 alleles (0.000066%); highest among the groups gnomAD compares: Non-Finnish European, 0.000088%; no homozygotes.

Submission:

Ambry Genetics
Classification: Uncertain significance. Last evaluated: 2026-07-10. Review status: criteria provided, single submitter. Criteria: Ambry Variant Classification Scheme 2023. Collection method: clinical testing. Allele origin: germline.
Comment: The p.P170R variant (also known as c.509C>G), located in coding exon 3 of the GFI1 gene, results from a C to G substitution at nucleotide position 509. The proline at codon 170 is replaced by arginine, an amino acid with dissimilar properties. This amino acid position is conserved. In addition, this alteration is predicted to be tolerated by in silico analysis. Based on the available evidence, the clinical significance of this variant remains unclear.

NM_005263.5(GFI1):c.509C>G (p.Pro170Arg)

Gene: GFI1 (growth factor independent 1 transcriptional repressor; minus strand). Cytogenetic location: 1p22.1.
Variant type: single nucleotide variant.
Coding change: c.509C>G on transcript NM_005263.5 (MANE Select); coding-DNA position 509, C replaced by G.
Protein change: p.Pro170Arg; replaces proline 170 with arginine.
Molecular consequence: missense variant.
Genome position (GRCh38, 1-based): chr1:92,480,878, G>C on the plus strand (C>G on the coding strand, the complement: GFI1 is on the minus strand). VCF-style: chr1-92480878-G-C. GRCh37 (hg19) VCF-style: chr1-92946435-G-C.
Other names: c.509C>G, p.Pro170Arg (NM_001127215.3, NM_001127216.3); short protein forms P170R.
Identifiers: ClinVar variation 5022376 (VCV005022376.1).